The following is an entry in ClinVar:

ClinVar aggregate classification (germline): Pathogenic (1 of 4 stars; one submission).

Conditions:
Bilateral sensorineural hearing impairment. Also called: Bilateral sensorineural hearing loss. Identifiers: MedGen C0452138, HP:0008619.

Submission:

Laboratory of Human Genetics, Institute of Biosciences - University of Sao Paulo
Classification: Pathogenic for Bilateral sensorineural hearing impairment. Review status: criteria provided, single submitter. Criteria: ClinGen HL ACMG Specifications v1. Collection method: research. Allele origin: germline. Affected: yes. Observed: 1 compound heterozygote.

Literature cited by the submitters: PubMed 34652575; PubMed 19461658.

NM_194248.3(OTOF):c.1392+1del

Gene: OTOF (otoferlin; minus strand). Cytogenetic location: 2p23.3.
Variant type: Deletion.
Coding change: c.1392+1del on transcript NM_194248.3 (MANE Select); the canonical splice donor site of the intron after coding-DNA position 1392, one base deleted (G; older notation c.1392+1delG).
Molecular consequence: splice donor variant.
Genome position (GRCh38, 1-based): chr2:26,483,461, C deleted on the plus strand (G on the coding strand, the reverse complement: OTOF is on the minus strand); the first of 2 consecutive C bases (chr2:26,483,461-26,483,462); deleting either gives the same sequence. VCF-style (leftmost placement, unchanged base first): chr2-26483460-AC-A. GRCh37 (hg19) VCF-style: chr2-26706328-AC-A.
Other names: c.1392+1del (NM_001287489.2).
Identifiers: ClinVar variation 1185579 (VCV001185579.1), dbSNP rs2148060407, ClinGen allele CA2573051921.